The following is an entry in ClinVar:

ClinVar aggregate classification (germline): Uncertain significance (1 of 4 stars; one submission).

Conditions:
Catecholaminergic polymorphic ventricular tachycardia 1. Also called: VENTRICULAR TACHYCARDIA, STRESS-INDUCED POLYMORPHIC 1; RYR2-Related Catecholaminergic Polymorphic Ventricular Tachycardia; VENTRICULAR TACHYCARDIA, CATECHOLAMINERGIC POLYMORPHIC, 1, WITH OR WITHOUT ATRIAL DYSFUNCTION AND/OR DILATED CARDIOMYOPATHY. Identifiers: Orphanet 3286, MedGen C1631597, MONDO:0011484, OMIM 604772.

Submission:

Labcorp Genetics (formerly Invitae), Labcorp
Classification: Uncertain significance for Catecholaminergic polymorphic ventricular tachycardia 1. Last evaluated: 2024-10-07. Review status: criteria provided, single submitter. Criteria: Invitae Variant Classification Sherloc (09022015). Collection method: clinical testing. Allele origin: germline.
Comment: This sequence change replaces glycine, which is neutral and non-polar, with cysteine, which is neutral and slightly polar, at codon 1198 of the RYR2 protein (p.Gly1198Cys). This variant is not present in population databases (gnomAD no frequency). This variant has not been reported in the literature in individuals affected with RYR2-related conditions. Invitae Evidence Modeling of protein sequence and biophysical properties (such as structural, functional, and spatial information, amino acid conservation, physicochemical variation, residue mobility, and thermodynamic stability) indicates that this missense variant is not expected to disrupt RYR2 protein function with a negative predictive value of 95%. In summary, the available evidence is currently insufficient to determine the role of this variant in disease. Therefore, it has been classified as a Variant of Uncertain Significance.

NM_001035.3(RYR2):c.3592G>T (p.Gly1198Cys)

Gene: RYR2 (ryanodine receptor 2; plus strand). Cytogenetic location: 1q43.
Variant type: single nucleotide variant.
Coding change: c.3592G>T on transcript NM_001035.3 (MANE Select); coding-DNA position 3592, G replaced by T.
Protein change: p.Gly1198Cys; replaces glycine 1198 with cysteine.
Molecular consequence: missense variant.
Genome position (GRCh38, 1-based): chr1:237,569,313, G>T. VCF-style: chr1-237569313-G-T. GRCh37 (hg19) VCF-style: chr1-237732613-G-T.
Other names: short protein forms G1198C.
Identifiers: ClinVar variation 2860176 (VCV002860176.3), dbSNP rs2546448619, ClinGen allele CA345390883.
Genomic context (GRCh38, chr1:237,569,313, plus strand): 5'-AATGGTGAAATCCTTCTTGATGATTCAGGCTCAGAACTGGCTTTCAAGGACTTTGATGTT[G>T]GCGATGGTAAGTCTACTATGTTTTGTGTTTTTTTTAAGTTTGCAGCACAAGGAAGCTTTC-3'
Protein context (NP_001026.2, residues 1188-1208): SELAFKDFDV[Gly1198Cys]DGFIPVCSLG